The following is an entry in ClinVar:

NM_000138.5(FBN1):c.4689C>G (p.Cys1563Trp)

Gene: FBN1 (fibrillin 1; minus strand). Cytogenetic location: 15q21.1.
Variant type: single nucleotide variant.
Coding change: c.4689C>G on transcript NM_000138.5 (MANE Select); coding-DNA position 4689, C replaced by G.
Protein change: p.Cys1563Trp; replaces cysteine 1563 with tryptophan.
Molecular consequence: missense variant.
Genome position (GRCh38, 1-based): chr15:48,467,996, G>C on the plus strand (C>G on the coding strand, the complement: FBN1 is on the minus strand). VCF-style: chr15-48467996-G-C. GRCh37 (hg19) VCF-style: chr15-48760193-G-C.
Other names: short protein forms C1563W.
Identifiers: ClinVar variation 857217 (VCV000857217.10), dbSNP rs2043337073, ClinGen allele CA392352964.
Genomic context (GRCh38, chr15:48,467,996, plus strand): 5'-ACATGTGTTCACAGCAGGACACATCTCACAAGGAGTACCCCAGGCTTTACCCAGAGAACA[G>C]CAGCAGGAAGCTTTGGAAACACCAACTCCAATTTCATTGCTGCAGGCTGTATCTCCATTG-3'
Protein context (NP_000129.3, residues 1553-1573): IGVGVSKASC[Cys1563Trp]CSLGKAWGTP

ClinVar aggregate classification (germline): Pathogenic. Review status: criteria provided, multiple submitters, no conflicts (2 of 4 stars). 2 submissions from 2 submitters: Pathogenic (2). Last evaluated 2023-06-29.

Conditions:
Familial thoracic aortic aneurysm and aortic dissection (TAAD). Also called: Thoracic aortic aneurysms and dissections. Identifiers: Orphanet 91387, MedGen C4707243, MONDO:0019625.
Marfan syndrome (MFS). Also called: FBN1-Related Marfan Syndrome; Marfan's syndrome; MARFAN SYNDROME, TYPE I; Marfan syndrome type 1; Marfan syndrome, classic. Identifiers: Orphanet 284963, Orphanet 558, MedGen C0024796, MONDO:0007947, OMIM 154700.
Weill-Marchesani syndrome 2, dominant. Also called: FBN1-Related Weill-Marchesani Syndrome; Weill-Marchesani Syndrome, Autosomal Dominant. Identifiers: Orphanet 2084, MedGen C1869115, MONDO:0012013, OMIM 608328.

Submissions (2):

Laboratory of Molecular and Physiopathological Bases of Osteochondrodysplasia, Imagine Institute
Classification: Pathogenic for Weill-Marchesani syndrome 2, dominant. Last evaluated: 2023-06-29. Review status: criteria provided, single submitter. Criteria: ACMG Guidelines, 2015. Collection method: clinical testing. Allele origin: de novo. Affected: yes. Observed: 1 variant allele.

Labcorp Genetics (formerly Invitae), Labcorp
Classification: Pathogenic for Marfan syndrome; Familial thoracic aortic aneurysm and aortic dissection. Last evaluated: 2019-05-20. Review status: criteria provided, single submitter. Criteria: Invitae Variant Classification Sherloc (09022015). Collection method: clinical testing. Allele origin: germline.
Comment: For these reasons, this variant has been classified as Pathogenic. This variant is not present in population databases (ExAC no frequency). This variant affects a cysteine residue in the EGF-like, TGFBP or hybrid motif domains of FBN1. Cysteine residues are believed to be involved in intramolecular disulfide bridges and have been shown to be important for FBN1 protein structure (PMID: 16905551, 19349279). In addition, missense substitutions affecting cysteine residues within these domains are significantly overrepresented among patients with Marfan syndrome (PMID: 16571647, 17701892). This variant has been observed in individuals affected with Marfan syndrome (PMID: 19293843, 27906200, Invitae). This sequence change replaces cysteine with tryptophan at codon 1563 of the FBN1 protein (p.Cys1563Trp). The cysteine residue is highly conserved and there is a large physicochemical difference between cysteine and tryptophan.

Literature cited by the submitters: PubMed 16905551 (cited by Labcorp Genetics (formerly Invitae), Labcorp); PubMed 19349279 (cited by Labcorp Genetics (formerly Invitae), Labcorp); PubMed 16571647 (cited by Labcorp Genetics (formerly Invitae), Labcorp); PubMed 17701892 (cited by Labcorp Genetics (formerly Invitae), Labcorp); PubMed 19293843 (cited by Labcorp Genetics (formerly Invitae), Labcorp); PubMed 27906200 (cited by Labcorp Genetics (formerly Invitae), Labcorp).